The following is an entry in ClinVar:

NM_144999.4(LRRC45):c.716C>T (p.Ala239Val)

Gene: LRRC45 (leucine rich repeat containing 45; plus strand). Cytogenetic location: 17q25.3.
Variant type: single nucleotide variant.
Coding change: c.716C>T on transcript NM_144999.4 (MANE Select); coding-DNA position 716, C replaced by T.
Protein change: p.Ala239Val; replaces alanine 239 with valine.
Molecular consequence: missense variant.
Genome position (GRCh38, 1-based): chr17:82,026,953, C>T. VCF-style: chr17-82026953-C-T. GRCh37 (hg19) VCF-style: chr17-79984829-C-T.
Other names: short protein forms A239V.
Identifiers: ClinVar variation 4996702 (VCV004996702.1).

ClinVar aggregate classification (germline): Uncertain significance (1 of 4 stars; one submission).

Conditions:
LRRC45-related disorder. Also called: LRRC45-related condition.

Submission:

PreventionGenetics, part of Exact Sciences
Classification: Uncertain significance for LRRC45-related condition. Last evaluated: 2025-11-06. Review status: criteria provided, single submitter. Criteria: ACMG Guidelines, 2015. Collection method: clinical testing. Allele origin: germline.
Comment: The LRRC45 c.716C>T variant is predicted to result in the amino acid substitution p.Ala239Val. To our knowledge, this variant has not been reported in the literature or in a large population database (gnomAD), indicating this variant is rare. At this time, the clinical significance of this variant is uncertain due to the absence of conclusive functional and genetic evidence.